The following is an entry in ClinVar:

NM_007294.4(BRCA1):c.2569T>C (p.Leu857=)

Gene: BRCA1 (BRCA1 DNA repair associated; minus strand). Cytogenetic location: 17q21.31.
Variant type: single nucleotide variant.
Coding change: c.2569T>C on transcript NM_007294.4 (MANE Select); coding-DNA position 2569, T replaced by C.
Protein change: p.Leu857=; no amino-acid change (leucine 857 retained).
Molecular consequence: synonymous variant. On other transcripts: intron variant (137).
Genome position (GRCh38, 1-based): chr17:43,092,962, A>G on the plus strand (T>C on the coding strand, the complement: BRCA1 is on the minus strand). VCF-style: chr17-43092962-A-G. GRCh37 (hg19) VCF-style: chr17-41244979-A-G.
Other names: c.2356T>C, p.Leu786= (NM_001407571.1, NM_001407853.1, NM_001407894.1 and 9 more transcripts); c.2569T>C, p.Leu857= (NM_001407581.1, NM_001407582.1, NM_001407583.1 and 30 more transcripts); c.2566T>C, p.Leu856= (NM_001407587.1, NM_001407590.1, NM_001407591.1 and 22 more transcripts); c.2560T>C, p.Leu854= (NM_001407646.1, NM_001407647.1); c.2446T>C, p.Leu816= (NM_001407648.1, NM_001407664.1, NM_001407665.1 and 19 more transcripts); c.2443T>C, p.Leu815= (NM_001407649.1, NM_001407670.1, NM_001407671.1 and 11 more transcripts); c.2491T>C, p.Leu831= (NM_001407653.1, NM_001407654.1, NM_001407655.1 and 4 more transcripts); c.2488T>C, p.Leu830= (NM_001407659.1, NM_001407660.1, NM_001407661.1 and 1 more transcripts); and 41 more.
Identifiers: ClinVar variation 184852 (VCV000184852.19), dbSNP rs779895958, ClinGen allele CA001696.

ClinVar aggregate classification (germline): Likely benign. Review status: reviewed by expert panel (3 of 4 stars). 5 submissions from 5 submitters: Likely benign (1). 4 of the submissions do not count toward it. Last evaluated 2017-06-29.

Conditions:
Hereditary cancer-predisposing syndrome. Also called: Hereditary Cancer Syndrome; Hereditary neoplastic syndrome; Tumor predisposition; Neoplastic Syndromes, Hereditary. Identifiers: Orphanet 140162, MedGen C0027672, MeSH D009386, MONDO:0015356.
Hereditary breast ovarian cancer syndrome. Also called: Hereditary breast and ovarian cancer syndrome; Hereditary breast and ovarian cancer syndrome (HBOC); BRCA1- and BRCA2-Associated Hereditary Breast and Ovarian Cancer; Breast and ovarian cancer; Hereditary breast and ovarian cancer; Hereditary breast and/or ovarian cancer syndrome. Identifiers: Orphanet 145, MedGen C0677776, MeSH D061325, MONDO:0003582. Disease mechanism: loss of function.
Breast-ovarian cancer, familial, susceptibility to, 1 (BROVCA1). Also called: OVARIAN CANCER, SUSCEPTIBILITY TO; BRCA1 Hereditary Breast and Ovarian Cancer. Identifiers: Orphanet 145, MedGen C2676676, MONDO:0011450, OMIM 604370. Disease mechanism: loss of function.

Allele frequency attached by ClinVar (database versions not stated): gnomAD exomes below 0.00001; ExAC 0.00001; TOPMed 0.00003.
gnomAD v4.1: 1 of 1,613,700 alleles (0.000062%); highest among the groups gnomAD compares: African/African-American, 0.0013%; no homozygotes.

Submissions (5):

Evidence-based Network for the Interpretation of Germline Mutant Alleles (ENIGMA)
Classification: Likely benign for Breast-ovarian cancer, familial, susceptibility to, 1. Last evaluated: 2017-06-29. Review status: reviewed by expert panel. Criteria: ENIGMA BRCA1/2 Classification Criteria (2017-06-29). Collection method: curation. Allele origin: germline.
Comment: Synonymous substitution variant, with low bioinformatic likelihood to result in a splicing aberration (Splicing prior probability 0.02).

Labcorp Genetics (formerly Invitae), Labcorp
Classification: Likely benign for Hereditary breast ovarian cancer syndrome. Last evaluated: 2025-03-03. Review status: criteria provided, single submitter. Criteria: Invitae Variant Classification Sherloc (09022015). Collection method: clinical testing. Allele origin: germline. Not counted in ClinVar's aggregate classification.

Women's Health and Genetics/Laboratory Corporation of America, LabCorp
Classification: Likely benign. Last evaluated: 2022-03-26. Review status: criteria provided, single submitter. Criteria: LabCorp Variant Classification Summary - May 2015. Collection method: clinical testing. Allele origin: germline. Not counted in ClinVar's aggregate classification.

Quest Diagnostics Nichols Institute San Juan Capistrano
Classification: Likely benign. Last evaluated: 2019-09-06. Review status: criteria provided, single submitter. Criteria: Quest Diagnostics criteria. Collection method: clinical testing. Allele origin: unknown. Not counted in ClinVar's aggregate classification.

Ambry Genetics
Classification: Likely benign for Hereditary cancer-predisposing syndrome. Last evaluated: 2018-03-05. Review status: criteria provided, single submitter. Criteria: Ambry Variant Classification Scheme 2023. Collection method: clinical testing. Allele origin: germline. Not counted in ClinVar's aggregate classification.